The following continues an entry in ClinVar:

NM_000057.4(BLM):c.2207_2212delinsTAGATTC (p.Tyr736fs)

Gene: BLM. ClinVar aggregate classification (germline): Pathogenic/Likely pathogenic. Pathogenic (23); Likely pathogenic (1).

Submissions 21 to 29 of 29:

Laboratory for Molecular Medicine, Mass General Brigham Personalized Medicine
Classification: Pathogenic for Bloom syndrome. Last evaluated: 2019-03-21. Review status: criteria provided, single submitter. Criteria: ACMG Guidelines, 2015. Collection method: clinical testing. Allele origin: germline. Inheritance: Autosomal recessive inheritance. Study: CSER-MedSeq.
Comment: The p.Tyr736LeufsX5 variant in BLM was first reported in 4 Ashkenazi Jewish individuals with Bloom syndrome in the homozygous state (Ellis 1995), and is the most common pathogenic variant in Ashkenazi Jewish individuals in whom it occurs in ~1/111 individuals (Pagan 2002). In vitro functional studies also provide some evidence that the p.Tyr736LeufsX5 variant may impact protein function (Ellis 1995). This variant is predicted to cause a frameshift, which alters the protein’s amino acid sequence beginning at position 736 and leads to a premature termination codon 5 amino acids downstream. This alteration is then predicted to lead to a truncated or absent protein. In summary, this variant meets our criteria to be classified as pathogenic for Bloom syndrome in an autosomal recessive manner.

Illumina Laboratory Services, Illumina
Classification: Pathogenic for Bloom syndrome. Last evaluated: 2018-10-19. Review status: criteria provided, single submitter. Criteria: ICSL Variant Classification Criteria 09 May 2019. Collection method: clinical testing. Allele origin: germline.
Comment: The BLM c.2207_2212delATCTGAinsTAGATTC (p.Tyr736LeufsTer5) variant is well described in the literature as a founder mutation in the Ashkenazi Jewish (AJ) population, commonly known as 'blmAsh', and accounts for 97% of all pathogenic variants reported in the AJ population (Sanz et al. 2016). The p.Tyr736LeufsTer5 variant results in a frameshift and is predicted to result in premature termination of the protein. Among probands of full or half AJ descent, the p.Tyr736LeufsTer5 variant has been reported in at least 27 individuals in a homozygous state and eight individuals in a compound heterozygous state (Ellis et al. 1995; Ellis et al. 1998; German et al. 2007). Among probands of Spanish American ancestry, the p.Tyr736LeufsTer5 variant has been reported in at least three individuals in a homozygous state, and two individuals in a compound heterozygous state (German et al. 2007). The p.Tyr736LeufsTer5 variant has also been detected in at least 52 parents who were unaffected carriers (Ellis et al. 1998). Control data are unavailable for this variant, and the p.Tyr736LeufsTer5 variant is not found in the 1000 Genomes Project, the Exome Sequencing Project, or the Exome Aggregation Consortium, in a region with good sequence coverage, and hence is presumed to be rare in the general population. Ellis et al. (1999) report that a SV40-transformed fibroblast cell line, derived from a skin biopsy sample obtained from an individual homozygous for the p.Tyr736LeufsTer5 variant was effectively null for the BLM protein. Based on the collective evidence, the p.Tyr736LeufsTer5 variant is classified as pathogenic for Bloom syndrome. This variant was observed by ICSL as part of a predisposition screen in an ostensibly healthy population.

Mendelics
Classification: Pathogenic for Bloom syndrome. Last evaluated: 2018-07-02. Review status: criteria provided, single submitter. Criteria: Mendelics Assertion Criteria 2017. Collection method: clinical testing. Allele origin: unknown.

Eurofins Ntd Llc (ga)
Classification: Pathogenic. Last evaluated: 2017-03-06. Review status: criteria provided, single submitter. Criteria: EGL Classification Definitions 2015. Collection method: clinical testing. Allele origin: germline. Observed: 11 variant alleles, 3 heterozygotes, 8 homozygotes.

Pathway Genomics
Classification: Pathogenic for Bloom syndrome. Last evaluated: 2014-07-24. Review status: no assertion criteria provided. Collection method: clinical testing. Allele origin: germline. Not counted in ClinVar's aggregate classification.

OMIM
Classification: Pathogenic for BLOOM SYNDROME. Last evaluated: 2002-09-20. Review status: no assertion criteria provided. Collection method: literature only. Allele origin: germline. Not counted in ClinVar's aggregate classification.

GeneReviews
No classification provided. Condition: Bloom syndrome. Review status: no classification provided. Collection method: literature only. Allele origin: germline. Not counted in ClinVar's aggregate classification.

SNPedia
No classification provided. Review status: no classification provided. Collection method: not provided. Allele origin: germline. Not counted in ClinVar's aggregate classification.

Sema4
Classification: Uncertain significance for Hereditary cancer-predisposing syndrome. Last evaluated: 2021-10-05. Review status: flagged submission. Criteria: Sema4 Curation Guidelines. Collection method: curation. Allele origin: germline. Not counted in ClinVar's aggregate classification.
Comment: The BLM c.2207_2212delATCTGAinsTAGATTC (p.Y736LfsX5) variant has been reported in several individuals with Bloom syndrome (PMID: 7585968, 9837821). This variant is a well-established pathogenic variant associated with Bloom syndrome (PMID: 9837821). This variant causes a frameshift at amino acid 736 that results in premature termination 5 amino acids downstream. This variant is predicted to cause loss of normal protein function either through protein truncation or nonsense-mediated mRNA decay. This variant was not observed in the Genome Aggregation Database. The variant has been reported in ClinVar (Variation ID: 5454). Based on the current evidence available, this variant is interpreted as pathogenic.
ClinVar note: Reason: Outlier claim with insufficient supporting evidence

Literature cited by the submitters: PubMed 17407155 (cited by 9 submitters); PubMed 7585968 (cited by 9 submitters); PubMed 9758720 (cited by Labcorp Genetics (formerly Invitae), Labcorp); PubMed 9837821 (cited by 12 submitters); PubMed 37052241 (cited by Dasa and Quest Diagnostics Nichols Institute San Juan Capistrano); PubMed 33219493 (cited by Dasa); PubMed 12702560 (cited by 3 submitters); PubMed 15726604 (cited by 3 submitters); PubMed 21815139 (cited by Ambry Genetics); PubMed 23225144 (cited by Ambry Genetics and Pathway Genomics); PubMed 24096176 (cited by Ambry Genetics); PubMed 29056561 (cited by Ambry Genetics); PubMed 29506128 (cited by Ambry Genetics and Quest Diagnostics Nichols Institute San Juan Capistrano); PubMed 9482582 (cited by GeneKor MSA and OMIM); PubMed 12242432 (cited by 3 submitters); PubMed 10521302 (cited by 3 submitters); PubMed 10090915 (cited by 3 submitters); PubMed 26788541 (cited by 3 submitters); PubMed 36744932 (cited by Quest Diagnostics Nichols Institute San Juan Capistrano); PubMed 28647934 (cited by Quest Diagnostics Nichols Institute San Juan Capistrano); PubMed 20301572 (cited by 3 submitters).